The following is an entry in ClinVar:

ClinVar aggregate classification (germline): Benign. Review status: criteria provided, multiple submitters, no conflicts (2 of 4 stars). 2 submissions from 2 submitters: Benign (2). Last evaluated 2016-03-28.

Allele frequency attached by ClinVar (database versions not stated): 1000 Genomes Project 30x 0.00828; 1000 Genomes Project 0.00859; TOPMed 0.01497; gnomAD exomes 0.01765; gnomAD 0.01769; ExAC 0.01901; ESP Exome Variant Server 0.01915.
gnomAD v4.1: 36,908 of 1,608,322 alleles (2.3%); highest among the groups gnomAD compares: Non-Finnish European, 2.7%; 599 homozygotes.

Submissions (16):

Laboratory for Molecular Medicine, Mass General Brigham Personalized Medicine
Classification: Benign. Last evaluated: 2016-03-28. Review status: criteria provided, single submitter. Criteria: LMM Criteria. Collection method: clinical testing. Allele origin: germline.
Comment: Variant identified in a genome or exome case(s) and assessed due to predicted null impact of the variant or pathogenic assertions in the literature or databases. Disclaimer: This variant has not undergone full assessment. The following are preliminary notes: Silent variant not in splice consensus

Breakthrough Genomics
Classification: Benign. Review status: criteria provided, single submitter. Criteria: ACMG Guidelines, 2015. Collection method: not provided. Allele origin: germline. Inheritance: Autosomal dominant inheritance. Affected: yes.

Dr. Peter K. Rogan Lab, Western University
No classification provided (evidence only). Condition: Lung cancer. Review status: no classification provided. Collection method: in vitro. Allele origin: not applicable. Functional consequence: retained intron. Not counted in ClinVar's aggregate classification.

Dr. Peter K. Rogan Lab, Western University
No classification provided (evidence only). Condition: Lung cancer. Review status: no classification provided. Collection method: in vitro. Allele origin: not applicable. Functional consequence: skipped exon. Not counted in ClinVar's aggregate classification.

Dr. Peter K. Rogan Lab, Western University
No classification provided (evidence only). Condition: Lung cancer. Review status: no classification provided. Collection method: in vitro. Allele origin: not applicable. Functional consequence: retained intron. Not counted in ClinVar's aggregate classification.

Dr. Peter K. Rogan Lab, Western University
No classification provided (evidence only). Condition: Familial cancer of breast. Review status: no classification provided. Collection method: in vitro. Allele origin: not applicable. Functional consequence: retained intron. Not counted in ClinVar's aggregate classification.

Dr. Peter K. Rogan Lab, Western University
No classification provided (evidence only). Condition: Familial cancer of breast. Review status: no classification provided. Collection method: in vitro. Allele origin: not applicable. Functional consequence: retained intron. Not counted in ClinVar's aggregate classification.

Dr. Peter K. Rogan Lab, Western University
No classification provided (evidence only). Condition: Familial cancer of breast. Review status: no classification provided. Collection method: in vitro. Allele origin: not applicable. Functional consequence: retained intron. Not counted in ClinVar's aggregate classification.

Dr. Peter K. Rogan Lab, Western University
No classification provided (evidence only). Condition: Acute myeloid leukemia. Review status: no classification provided. Collection method: in vitro. Allele origin: not applicable. Functional consequence: retained intron. Not counted in ClinVar's aggregate classification.

Dr. Peter K. Rogan Lab, Western University
No classification provided (evidence only). Condition: Colon adenocarcinoma. Review status: no classification provided. Collection method: in vitro. Allele origin: not applicable. Functional consequence: retained intron. Not counted in ClinVar's aggregate classification.

Dr. Peter K. Rogan Lab, Western University
No classification provided (evidence only). Condition: Colon adenocarcinoma. Review status: no classification provided. Collection method: in vitro. Allele origin: not applicable. Functional consequence: retained intron. Not counted in ClinVar's aggregate classification.

Dr. Peter K. Rogan Lab, Western University
No classification provided (evidence only). Condition: Colorectal cancer. Review status: no classification provided. Collection method: in vitro. Allele origin: not applicable. Functional consequence: skipped exon. Not counted in ClinVar's aggregate classification.

Dr. Peter K. Rogan Lab, Western University
No classification provided (evidence only). Condition: Cervical cancer. Review status: no classification provided. Collection method: in vitro. Allele origin: not applicable. Functional consequence: skipped exon, retained intron. Not counted in ClinVar's aggregate classification.

Dr. Peter K. Rogan Lab, Western University
No classification provided (evidence only). Condition: Hepatocellular carcinoma. Review status: no classification provided. Collection method: in vitro. Allele origin: not applicable. Functional consequence: retained intron. Not counted in ClinVar's aggregate classification.

Dr. Peter K. Rogan Lab, Western University
No classification provided (evidence only). Condition: Malignant tumor of esophagus. Review status: no classification provided. Collection method: in vitro. Allele origin: not applicable. Functional consequence: retained intron. Not counted in ClinVar's aggregate classification.

Dr. Peter K. Rogan Lab, Western University
No classification provided (evidence only). Condition: Malignant tumor of esophagus. Review status: no classification provided. Collection method: in vitro. Allele origin: not applicable. Functional consequence: retained intron. Not counted in ClinVar's aggregate classification.

NM_002458.3(MUC5B):c.9048G>A (p.Pro3016=)

Genes: MUC5B (mucin 5B, oligomeric mucus/gel-forming; plus strand), MUC5B-AS1 (MUC5B antisense RNA 1; minus strand). Cytogenetic location: 11p15.5.
Variant type: single nucleotide variant.
Coding change: c.9048G>A on transcript NM_002458.3 (MANE Select); coding-DNA position 9048, G replaced by A.
Protein change: p.Pro3016=; no amino-acid change (proline 3016 retained).
Molecular consequence: synonymous variant.
Genome position (GRCh38, 1-based): chr11:1,245,928, G>A. VCF-style: chr11-1245928-G-A. GRCh37 (hg19) VCF-style: chr11-1267158-G-A.
Identifiers: ClinVar variation 403149 (VCV000403149.6), dbSNP rs139052978, ClinGen allele CA5806828.